The following is an entry in ClinVar:

NM_001199138.2(NLRC4):c.73G>A (p.Asp25Asn)

Gene: NLRC4 (NLR family CARD domain containing 4; minus strand). Cytogenetic location: 2p22.3.
Variant type: single nucleotide variant.
Coding change: c.73G>A on transcript NM_001199138.2 (MANE Select); coding-DNA position 73, G replaced by A.
Protein change: p.Asp25Asn; replaces aspartic acid 25 with asparagine.
Molecular consequence: missense variant.
Genome position (GRCh38, 1-based): chr2:32,252,608, C>T on the plus strand (G>A on the coding strand, the complement: NLRC4 is on the minus strand). VCF-style: chr2-32252608-C-T. GRCh37 (hg19) VCF-style: chr2-32477677-C-T.
Other names: c.73G>A, p.Asp25Asn (NM_001199139.2, NM_001302504.2, NM_021209.5); short protein forms D25N.
Identifiers: ClinVar variation 1505770 (VCV001505770.8), dbSNP rs2148943898, ClinGen allele CA346517055.

ClinVar aggregate classification (germline): Uncertain significance (1 of 4 stars; one submission).

Conditions:
Familial cold autoinflammatory syndrome 4 (FCAS4). Identifiers: Orphanet 47045, Orphanet 576349, MedGen C4015276, MONDO:0014498, OMIM 616115.
Periodic fever-infantile enterocolitis-autoinflammatory syndrome. Also called: Autoinflammation with infantile enterocolitis. Identifiers: Orphanet 436166, MedGen C4015067, MONDO:0014472, OMIM 616050.

Submission:

Labcorp Genetics (formerly Invitae), Labcorp
Classification: Uncertain significance for Periodic fever-infantile enterocolitis-autoinflammatory syndrome; Familial cold autoinflammatory syndrome 4. Last evaluated: 2024-10-25. Review status: criteria provided, single submitter. Criteria: Invitae Variant Classification Sherloc (09022015). Collection method: clinical testing. Allele origin: germline.
Comment: This sequence change replaces aspartic acid, which is acidic and polar, with asparagine, which is neutral and polar, at codon 25 of the NLRC4 protein (p.Asp25Asn). This variant is not present in population databases (gnomAD no frequency). This variant has not been reported in the literature in individuals affected with NLRC4-related conditions. ClinVar contains an entry for this variant (Variation ID: 1505770). An algorithm developed to predict the effect of missense changes on protein structure and function (PolyPhen-2) suggests that this variant is likely to be disruptive. In summary, the available evidence is currently insufficient to determine the role of this variant in disease. Therefore, it has been classified as a Variant of Uncertain Significance.